The following is an entry in ClinVar:

NM_004035.7(ACOX1):c.1468C>T (p.Arg490Cys)

Gene: ACOX1 (acyl-CoA oxidase 1; minus strand). Cytogenetic location: 17q25.1.
Variant type: single nucleotide variant.
Coding change: c.1468C>T on transcript NM_004035.7 (MANE Select); coding-DNA position 1468, C replaced by T.
Protein change: p.Arg490Cys; replaces arginine 490 with cysteine.
Molecular consequence: missense variant.
Genome position (GRCh38, 1-based): chr17:75,949,728, G>A on the plus strand (C>T on the coding strand, the complement: ACOX1 is on the minus strand). VCF-style: chr17-75949728-G-A. GRCh37 (hg19) VCF-style: chr17-73945809-G-A.
Other names: c.1354C>T, p.Arg452Cys (NM_001185039.2); c.1468C>T, p.Arg490Cys (NM_007292.6); short protein forms R490C, R452C.
Identifiers: ClinVar variation 890814 (VCV000890814.7), dbSNP rs143601596, ClinGen allele CA8776769.

ClinVar aggregate classification (germline): Uncertain significance. Review status: criteria provided, multiple submitters, no conflicts (2 of 4 stars). 3 submissions from 3 submitters: Uncertain significance (3). Last evaluated 2026-01-27.

Conditions:
Inborn genetic diseases. Identifiers: MedGen C0950123, MeSH D030342.
Acyl-CoA oxidase deficiency. Also called: Peroxisomal acyl-CoA oxidase deficiency; Pseudoneonatal adrenoleukodystrophy; STRAIGHT-CHAIN ACYL-CoA OXIDASE DEFICIENCY. Identifiers: Orphanet 2971, MedGen C1849678, MONDO:0009919, OMIM 264470. Disease mechanism: loss of function.
ACOX1-related disorder. Also called: ACOX1-related condition; ACOX1-related disorders.

Allele frequency attached by ClinVar (database versions not stated): TOPMed 0.00001.
gnomAD v4.1: 20 of 1,614,130 alleles (0.0012%); highest among the groups gnomAD compares: African/African-American, 0.0027%; no homozygotes.

Submissions (3):

PreventionGenetics, part of Exact Sciences
Classification: Uncertain significance for ACOX1-related condition. Last evaluated: 2026-01-27. Review status: criteria provided, single submitter. Criteria: ACMG Guidelines, 2015. Collection method: clinical testing. Allele origin: germline.
Comment: The ACOX1 c.1468C>T variant is predicted to result in the amino acid substitution p.Arg490Cys. To our knowledge, this variant has not been reported in the literature. This variant is reported in 0.0035% of alleles in individuals of European (Non-Finnish) descent in gnomAD. At this time, the clinical significance of this variant is uncertain due to the absence of conclusive functional and genetic evidence.

Ambry Genetics
Classification: Uncertain significance for Inborn genetic diseases. Last evaluated: 2023-05-04. Review status: criteria provided, single submitter. Criteria: Ambry Variant Classification Scheme 2023. Collection method: clinical testing. Allele origin: germline.

Illumina Laboratory Services, Illumina
Classification: Uncertain significance for Acyl-CoA oxidase deficiency. Last evaluated: 2018-01-12. Review status: criteria provided, single submitter. Criteria: ICSL Variant Classification Criteria 13 December 2019. Collection method: clinical testing. Allele origin: germline.